The following is an entry in ClinVar:

ClinVar aggregate classification (germline): Uncertain significance (1 of 4 stars; one submission).

gnomAD v4.1: 1 of 1,550,528 alleles (0.000064%); highest among the groups gnomAD compares: Admixed American, 0.002%; no homozygotes.

Submission:

Labcorp Genetics (formerly Invitae), Labcorp
Classification: Uncertain significance. Last evaluated: 2021-09-24. Review status: criteria provided, single submitter. Criteria: Invitae Variant Classification Sherloc (09022015). Collection method: clinical testing. Allele origin: germline.
Comment: This sequence change replaces glutamic acid with lysine at codon 605 of the PDZD7 protein (p.Glu605Lys). The glutamic acid residue is weakly conserved and there is a small physicochemical difference between glutamic acid and lysine. The frequency data for this variant in the population databases is considered unreliable, as metrics indicate insufficient coverage at this position in the ExAC database. This variant has not been reported in the literature in individuals with PDZD7-related conditions. Algorithms developed to predict the effect of missense changes on protein structure and function are either unavailable or do not agree on the potential impact of this missense change (SIFT: "Deleterious"; PolyPhen-2: "Not Available"; Align-GVGD: "Class C0"). In summary, the available evidence is currently insufficient to determine the role of this variant in disease. Therefore, it has been classified as a Variant of Uncertain Significance.

NM_001195263.2(PDZD7):c.1813G>A (p.Glu605Lys)

Gene: PDZD7 (PDZ domain containing 7; minus strand). Cytogenetic location: 10q24.31.
Variant type: single nucleotide variant.
Coding change: c.1813G>A on transcript NM_001195263.2 (MANE Select); coding-DNA position 1813, G replaced by A.
Protein change: p.Glu605Lys; replaces glutamic acid 605 with lysine.
Molecular consequence: missense variant.
Genome position (GRCh38, 1-based): chr10:101,012,195, C>T on the plus strand (G>A on the coding strand, the complement: PDZD7 is on the minus strand). VCF-style: chr10-101012195-C-T. GRCh37 (hg19) VCF-style: chr10-102771952-C-T.
Other names: short protein forms E605K.
Identifiers: ClinVar variation 1367855 (VCV001367855.5), dbSNP rs1852419161, ClinGen allele CA378226513.